The following is an entry in ClinVar:

NM_014714.4(IFT140):c.868C>T (p.Leu290Phe)

Genes: IFT140 (intraflagellar transport 140; minus strand), LOC105371046 (uncharacterized LOC105371046; plus strand). Cytogenetic location: 16p13.3.
Variant type: single nucleotide variant.
Coding change: c.868C>T on transcript NM_014714.4 (MANE Select); coding-DNA position 868, C replaced by T.
Protein change: p.Leu290Phe; replaces leucine 290 with phenylalanine.
Molecular consequence: missense variant.
Genome position (GRCh38, 1-based): chr16:1,587,967, G>A on the plus strand (C>T on the coding strand, the complement: IFT140 is on the minus strand). VCF-style: chr16-1587967-G-A. GRCh37 (hg19) VCF-style: chr16-1637968-G-A.
Other names: short protein forms L290F.
Identifiers: ClinVar variation 4855557 (VCV004855557.1).

ClinVar aggregate classification (germline): Uncertain significance (1 of 4 stars; one submission).

Conditions:
Retinitis pigmentosa 80 (RP80). Identifiers: MedGen C4540439, MONDO:0054708, OMIM 617781.

Submission:

3billion
Classification: Uncertain significance for Retinitis pigmentosa 80. Last evaluated: 2025-05-08. Review status: criteria provided, single submitter. Criteria: ACMG Guidelines, 2015. Collection method: clinical testing. Allele origin: germline. Affected: yes.
Comment: The variant is not observed in the gnomAD v4.1.0 dataset. Predicted Consequence/Location: Missense variant. The majority of the known disease-causing variants of this gene are variants expected to result in premature termination of the protein. Therefore, this variant is classified as VUS according to the recommendation of ACMG/AMP guideline.